The following is an entry in ClinVar:

NM_005157.6(ABL1):c.1691A>G (p.His564Arg)

Gene: ABL1 (ABL proto-oncogene 1, non-receptor tyrosine kinase; plus strand). Cytogenetic location: 9q34.12.
Variant type: single nucleotide variant.
Coding change: c.1691A>G on transcript NM_005157.6 (MANE Select); coding-DNA position 1691, A replaced by G.
Protein change: p.His564Arg; replaces histidine 564 with arginine.
Molecular consequence: missense variant.
Genome position (GRCh38, 1-based): chr9:130,883,981, A>G. VCF-style: chr9-130883981-A-G. GRCh37 (hg19) VCF-style: chr9-133759368-A-G.
Other names: c.1748A>G, p.His583Arg (NM_007313.3); short protein forms H583R, H564R.
Identifiers: ClinVar variation 2731974 (VCV002731974.3), dbSNP rs2490746897, ClinGen allele CA375252291.
Genomic context (GRCh38, chr9:130,883,981, plus strand): 5'-AGCCTCTAGAGTTGTCTGGAGTTGTCAGCTCTTCCCCTTGCGTTTCAGATCCTCTGGACC[A>G]TGAGCCTGCCGTGTCTCCATTGCTCCCTCGAAAAGAGCGAGGTCCCCCGGAGGGCGGCCT-3'
Protein context (NP_005148.2, residues 554-574): KGQGESDPLD[His564Arg]EPAVSPLLPR

ClinVar aggregate classification (germline): Uncertain significance (1 of 4 stars; one submission).

Allele frequency attached by ClinVar (database versions not stated): gnomAD exomes below 0.00001.
gnomAD v4.1: 2 of 1,612,098 alleles (0.00012%); highest among the groups gnomAD compares: African/African-American, 0.0013%; no homozygotes.

Submission:

Labcorp Genetics (formerly Invitae), Labcorp
Classification: Uncertain significance. Last evaluated: 2023-06-28. Review status: criteria provided, single submitter. Criteria: Invitae Variant Classification Sherloc (09022015). Collection method: clinical testing. Allele origin: germline.
Comment: In summary, the available evidence is currently insufficient to determine the role of this variant in disease. Therefore, it has been classified as a Variant of Uncertain Significance. Advanced modeling of protein sequence and biophysical properties (such as structural, functional, and spatial information, amino acid conservation, physicochemical variation, residue mobility, and thermodynamic stability) performed at Invitae indicates that this missense variant is not expected to disrupt ABL1 protein function. This variant has not been reported in the literature in individuals affected with ABL1-related conditions. This variant is not present in population databases (gnomAD no frequency). This sequence change replaces histidine, which is basic and polar, with arginine, which is basic and polar, at codon 583 of the ABL1 protein (p.His583Arg).